The following is an entry in ClinVar:

NM_001127222.2(CACNA1A):c.3479C>T (p.Ala1160Val)

Gene: CACNA1A (calcium voltage-gated channel subunit alpha1 A; minus strand). Cytogenetic location: 19p13.13.
Variant type: single nucleotide variant.
Coding change: c.3479C>T on transcript NM_001127222.2 (MANE Select); coding-DNA position 3479, C replaced by T.
Protein change: p.Ala1160Val; replaces alanine 1160 with valine.
Molecular consequence: missense variant.
Genome position (GRCh38, 1-based): chr19:13,286,577, G>A on the plus strand (C>T on the coding strand, the complement: CACNA1A is on the minus strand). VCF-style: chr19-13286577-G-A. GRCh37 (hg19) VCF-style: chr19-13397391-G-A.
Other names: c.3491C>T, p.Ala1164Val (NM_000068.4, NM_023035.3); c.3482C>T, p.Ala1161Val (NM_001127221.2, NM_001174080.2); short protein forms A1160V, A1161V, A1164V.
Identifiers: ClinVar variation 1314713 (VCV001314713.8), dbSNP rs766027931, ClinGen allele CA404341286.

ClinVar aggregate classification (germline): Uncertain significance. Review status: criteria provided, multiple submitters, no conflicts (2 of 4 stars). 2 submissions from 2 submitters: Uncertain significance (2). Last evaluated 2025-07-28.

Conditions:
Episodic ataxia type 2 (EA2). Also called: ATAXIA, EPISODIC, WITH NYSTAGMUS; ATAXIA, FAMILIAL PAROXYSMAL; CEREBELLAR ATAXIA, PAROXYSMAL, ACETAZOLAMIDE-RESPONSIVE; CEREBELLOPATHY, HEREDITARY PAROXYSMAL; EPISODIC ATAXIA, NYSTAGMUS-ASSOCIATED; ACETAZOLAMIDE-RESPONSIVE HEREDITARY PAROXYSMAL CEREBELLAR ATAXIA. Identifiers: Orphanet 97, MedGen C1720416, MONDO:0007163, OMIM 108500.
Developmental and epileptic encephalopathy, 42 (DEE42A). Also called: Epileptic encephalopathy, early infantile, 42; DEVELOPMENTAL AND EPILEPTIC ENCEPHALOPATHY 42A; EPILEPTIC ENCEPHALOPATHY, EARLY INFANTILE, 42A. Identifiers: MedGen C4310716, MONDO:0014917, OMIM 617106.

Allele frequency attached by ClinVar (database versions not stated): gnomAD 0.00001; TOPMed 0.00001.
gnomAD v4.1: 6 of 1,548,780 alleles (0.00039%); highest among the groups gnomAD compares: Middle Eastern, 0.018%; no homozygotes.

Submissions (2):

Labcorp Genetics (formerly Invitae), Labcorp
Classification: Uncertain significance for Developmental and epileptic encephalopathy, 42; Episodic ataxia type 2. Last evaluated: 2025-07-28. Review status: criteria provided, single submitter. Criteria: Invitae Variant Classification Sherloc (09022015). Collection method: clinical testing. Allele origin: germline.
Comment: This sequence change replaces alanine, which is neutral and non-polar, with valine, which is neutral and non-polar, at codon 1161 of the CACNA1A protein (p.Ala1161Val). This variant is not present in population databases (gnomAD no frequency). This variant has not been reported in the literature in individuals affected with CACNA1A-related conditions. ClinVar contains an entry for this variant (Variation ID: 1314713). Invitae Evidence Modeling of protein sequence and biophysical properties (such as structural, functional, and spatial information, amino acid conservation, physicochemical variation, residue mobility, and thermodynamic stability) indicates that this missense variant is not expected to disrupt CACNA1A protein function with a negative predictive value of 95%. In summary, the available evidence is currently insufficient to determine the role of this variant in disease. Therefore, it has been classified as a Variant of Uncertain Significance.

GeneDx
Classification: Uncertain significance. Last evaluated: 2022-06-23. Review status: criteria provided, single submitter. Criteria: GeneDx Variant Classification Process June 2021. Collection method: clinical testing. Allele origin: germline. Affected: yes.
Comment: Not observed in large population cohorts (gnomAD); In silico analysis supports that this missense variant does not alter protein structure/function; Has not been previously published as pathogenic or benign to our knowledge